The following is an entry in ClinVar:

NM_000059.4(BRCA2):c.3030A>G (p.Arg1010=)

Gene: BRCA2 (BRCA2 DNA repair associated; plus strand). Cytogenetic location: 13q13.1.
Variant type: single nucleotide variant.
Coding change: c.3030A>G on transcript NM_000059.4 (MANE Select); coding-DNA position 3030, A replaced by G.
Protein change: p.Arg1010=; no amino-acid change (arginine 1010 retained).
Molecular consequence: synonymous variant.
Genome position (GRCh38, 1-based): chr13:32,337,385, A>G. VCF-style: chr13-32337385-A-G. GRCh37 (hg19) VCF-style: chr13-32911522-A-G.
Identifiers: ClinVar variation 427370 (VCV000427370.3), dbSNP rs1131692105, ClinGen allele CA483437418.
Genomic context (GRCh38, chr13:32,337,385, plus strand): 5'-GAACAAATGGGCAGGACTCTTAGGTCCAATTTCAAATCACAGTTTTGGAGGTAGCTTCAG[A>G]ACAGCTTCAAATAAGGAAATCAAGCTCTCTGAACATAACATTAAGAAGAGCAAAATGTTC-3'
Protein context (NP_000050.3, residues 1000-1020): ISNHSFGGSF[Arg1010=]TASNKEIKLS

ClinVar aggregate classification (germline): Likely benign (3 of 4 stars; one submission).

Conditions:
Breast-ovarian cancer, familial, susceptibility to, 2 (BROVCA2). Also called: BRCA2 Hereditary Breast and Ovarian Cancer. Identifiers: Orphanet 145, MedGen C2675520, MONDO:0012933, OMIM 612555. Disease mechanism: loss of function.

Submission:

Evidence-based Network for the Interpretation of Germline Mutant Alleles (ENIGMA)
Classification: Likely benign for Breast-ovarian cancer, familial, susceptibility to, 2. Last evaluated: 2017-06-29. Review status: reviewed by expert panel. Criteria: ENIGMA BRCA1/2 Classification Criteria (2017-06-29). Collection method: curation. Allele origin: germline.
Comment: Synonymous substitution variant, with low bioinformatic likelihood to result in a splicing aberration (Splicing prior probability 0.02).